The following is an entry in ClinVar:

NM_006312.6(NCOR2):c.4936+7G>T

Gene: NCOR2 (nuclear receptor corepressor 2; minus strand). Cytogenetic location: 12q24.31.
Variant type: single nucleotide variant.
Coding change: c.4936+7G>T on transcript NM_006312.6 (MANE Select); 7 bases into the intron after coding-DNA position 4936, G replaced by T.
Molecular consequence: intron variant.
Genome position (GRCh38, 1-based): chr12:124,342,998, C>A on the plus strand (G>T on the coding strand, the complement: NCOR2 is on the minus strand). VCF-style: chr12-124342998-C-A. GRCh37 (hg19) VCF-style: chr12-124827544-C-A.
Other names: c.4906+7G>T (NM_001077261.4, NM_001206654.2); c.4936+7G>T (NM_006312.5).
Identifiers: ClinVar variation 2643551 (VCV002643551.25), dbSNP rs61934024, ClinGen allele CA6868143.

ClinVar aggregate classification (germline): Likely benign. Review status: criteria provided, single submitter (1 of 4 stars). 2 submissions from 2 submitters: Likely benign (1). 1 of the submissions does not count toward it. Last evaluated 2023-02-01.

Conditions:
NCOR2-related disorder. Also called: NCOR2-related condition.

Allele frequency attached by ClinVar (database versions not stated): 1000 Genomes Project 30x 0.00265; 1000 Genomes Project 0.00280; gnomAD 0.00478; TOPMed 0.00481; ExAC 0.00490; ESP Exome Variant Server 0.00630; gnomAD exomes 0.00793.
gnomAD v4.1: 12,122 of 1,610,136 alleles (0.75%); highest among the groups gnomAD compares: Non-Finnish European, 0.94%; 69 homozygotes.

Submissions (2):

CeGaT Center for Human Genetics Tuebingen
Classification: Likely benign. Last evaluated: 2023-02-01. Review status: criteria provided, single submitter. Criteria: CeGaT Center For Human Genetics Tuebingen Variant Classification Criteria Version 2. Collection method: clinical testing. Allele origin: germline. Affected: yes. Observed: 2 variant alleles.
Comment: NCOR2: BP4, BS2

PreventionGenetics, part of Exact Sciences
Classification: Likely benign for NCOR2-related condition. Last evaluated: 2019-02-21. Review status: no assertion criteria provided. Collection method: clinical testing. Allele origin: germline. Not counted in ClinVar's aggregate classification.
Comment: This variant is classified as likely benign based on ACMG/AMP sequence variant interpretation guidelines (Richards et al. 2015 PMID: 25741868, with internal and published modifications).